The following is an entry in ClinVar:

NM_022051.3(EGLN1):c.832G>T (p.Asp278Tyr)

Genes: EGLN1 (egl-9 family hypoxia inducible factor 1; minus strand), LOC129932769 (ATAC-STARR-seq lymphoblastoid active region 2730; plus strand). Cytogenetic location: 1q42.2.
Variant type: single nucleotide variant.
Coding change: c.832G>T on transcript NM_022051.3 (MANE Select); coding-DNA position 832, G replaced by T.
Protein change: p.Asp278Tyr; replaces aspartic acid 278 with tyrosine.
Molecular consequence: missense variant.
Genome position (GRCh38, 1-based): chr1:231,421,057, C>A on the plus strand (G>T on the coding strand, the complement: EGLN1 is on the minus strand). VCF-style: chr1-231421057-C-A. GRCh37 (hg19) VCF-style: chr1-231556803-C-A.
Other names: c.832G>T, p.Asp278Tyr (NM_001377260.1, NM_001377261.1); short protein forms D278Y.
Identifiers: ClinVar variation 1762961 (VCV001762961.8), dbSNP rs371536347, ClinGen allele CA1453099.
Genomic context (GRCh38, chr1:231,421,057, plus strand): 5'-CTTTCGTCCGGCCATTGATTTTGTAGCTGCCCAGCTTCCCGTTACAGTGGCGTATCAGGT[C>A]GTCCATGCTGCTCATGAGCAGCCCAATGGTTTCGCAGCCGGGCTCCTTGCCCTCGATCCA-3'
Protein context (NP_071334.1, residues 268-288): TIGLLMSSMD[Asp278Tyr]LIRHCNGKLG

ClinVar aggregate classification (germline): Uncertain significance. Review status: criteria provided, multiple submitters, no conflicts (2 of 4 stars). 2 submissions from 2 submitters: Uncertain significance (2). Last evaluated 2025-08-07.

Conditions:
Erythrocytosis, familial, 3 (ECYT3). Identifiers: Orphanet 247511, MedGen C1853286, MONDO:0012353, OMIM 609820.

gnomAD v4.1: 6 of 1,614,156 alleles (0.00037%); highest among the groups gnomAD compares: Non-Finnish European, 0.00051%; no homozygotes.

Submissions (2):

Ambry Genetics
Classification: Uncertain significance. Last evaluated: 2025-08-07. Review status: criteria provided, single submitter. Criteria: Ambry Variant Classification Scheme 2023. Collection method: clinical testing. Allele origin: germline.
Comment: The p.D278Y variant (also known as c.832G>T), located in coding exon 1 of the EGLN1 gene, results from a G to T substitution at nucleotide position 832. The aspartic acid at codon 278 is replaced by tyrosine, an amino acid with highly dissimilar properties. This amino acid position is highly conserved in available vertebrate species. In addition, this alteration is predicted to be deleterious by in silico analysis. Since supporting evidence is limited at this time, the clinical significance of this alteration remains unclear.

Labcorp Genetics (formerly Invitae), Labcorp
Classification: Uncertain significance for Erythrocytosis, familial, 3. Last evaluated: 2025-03-07. Review status: criteria provided, single submitter. Criteria: Invitae Variant Classification Sherloc (09022015). Collection method: clinical testing. Allele origin: germline.
Comment: This sequence change replaces aspartic acid, which is acidic and polar, with tyrosine, which is neutral and polar, at codon 278 of the EGLN1 protein (p.Asp278Tyr). The frequency data for this variant in the population databases is considered unreliable, as metrics indicate poor data quality at this position in the gnomAD database. This variant has not been reported in the literature in individuals affected with EGLN1-related conditions. ClinVar contains an entry for this variant (Variation ID: 1762961). An algorithm developed to predict the effect of missense changes on protein structure and function (PolyPhen-2) suggests that this variant is likely to be disruptive. In summary, the available evidence is currently insufficient to determine the role of this variant in disease. Therefore, it has been classified as a Variant of Uncertain Significance.